The following is an entry in ClinVar:

ClinVar aggregate classification (germline): Likely pathogenic (1 of 4 stars; one submission).

Conditions:
Curry-Hall syndrome (WAD). Also called: WEYERS ACRODENTAL DYSOSTOSIS. Identifiers: Orphanet 952, MedGen C0457013, MONDO:0008673, OMIM 193530.
Ellis-van Creveld syndrome (EVC). Also called: EVC-Related Ellis-van Creveld Syndrome; EVC2-Related Ellis-van Creveld Syndrome; MESOECTODERMAL DYSPLASIA; Chondroectodermal dysplasia. Identifiers: Orphanet 289, MedGen C0013903, MONDO:0009162, OMIM 225500.

Submission:

Labcorp Genetics (formerly Invitae), Labcorp
Classification: Likely pathogenic for Curry-Hall syndrome; Ellis-van Creveld syndrome. Last evaluated: 2023-08-20. Review status: criteria provided, single submitter. Criteria: Invitae Variant Classification Sherloc (09022015). Collection method: clinical testing. Allele origin: germline.
Comment: In summary, the currently available evidence indicates that the variant is pathogenic, but additional data are needed to prove that conclusively. Therefore, this variant has been classified as Likely Pathogenic. Algorithms developed to predict the effect of sequence changes on RNA splicing suggest that this variant may disrupt the consensus splice site. This variant has not been reported in the literature in individuals affected with EVC2-related conditions. This variant is not present in population databases (gnomAD no frequency). This sequence change affects a donor splice site in intron 14 of the EVC2 gene. It is expected to disrupt RNA splicing. Variants that disrupt the donor or acceptor splice site typically lead to a loss of protein function (PMID: 16199547), and loss-of-function variants in EVC2 are known to be pathogenic (PMID: 17024374, 19810119, 19876929).

Literature cited by the submitters: PubMed 16199547; PubMed 17024374; PubMed 19810119; PubMed 19876929.

NM_147127.5(EVC2):c.2501+1G>T

Gene: EVC2 (EvC ciliary complex subunit 2; minus strand). Cytogenetic location: 4p16.2.
Variant type: single nucleotide variant.
Coding change: c.2501+1G>T on transcript NM_147127.5 (MANE Select); the canonical splice donor site of the intron after coding-DNA position 2501, G replaced by T.
Molecular consequence: splice donor variant.
Genome position (GRCh38, 1-based): chr4:5,622,536, C>A on the plus strand (G>T on the coding strand, the complement: EVC2 is on the minus strand). VCF-style: chr4-5622536-C-A. GRCh37 (hg19) VCF-style: chr4-5624263-C-A.
Other names: c.2261+1G>T (NM_001166136.2).
Identifiers: ClinVar variation 2939504 (VCV002939504.3), dbSNP rs2475373423, ClinGen allele CA356144300.